The following is an entry in ClinVar:

NM_003742.4(ABCB11):c.368T>C (p.Met123Thr)

Gene: ABCB11 (ATP binding cassette subfamily B member 11; minus strand). Cytogenetic location: 2q31.1.
Variant type: single nucleotide variant.
Coding change: c.368T>C on transcript NM_003742.4 (MANE Select); coding-DNA position 368, T replaced by C.
Protein change: p.Met123Thr; replaces methionine 123 with threonine.
Molecular consequence: missense variant.
Genome position (GRCh38, 1-based): chr2:169,013,293, A>G on the plus strand (T>C on the coding strand, the complement: ABCB11 is on the minus strand). VCF-style: chr2-169013293-A-G. GRCh37 (hg19) VCF-style: chr2-169869803-A-G.
Other names: short protein forms M123T.
Identifiers: ClinVar variation 2143281 (VCV002143281.4), dbSNP rs757815423, ClinGen allele CA1951915.

ClinVar aggregate classification (germline): Uncertain significance. Review status: criteria provided, multiple submitters, no conflicts (2 of 4 stars). 2 submissions from 2 submitters: Uncertain significance (2). Last evaluated 2026-04-14.

Conditions:
Familial intrahepatic cholestasis. Identifiers: Orphanet 284385, MedGen CN296401, MONDO:0017290.

Allele frequency attached by ClinVar (database versions not stated): ExAC 0.00003.

Submissions (2):

Genomenon, Inc
Classification: Uncertain significance for Familial intrahepatic cholestasis. Last evaluated: 2026-04-14. Review status: criteria provided, single submitter. Criteria: Genomenon Sequence Variant Interpretation Standards - Updated. Collection method: curation. Allele origin: germline. Affected: yes.
Comment: ABCB11 p.Met123Thr (c.368T>C) is a missense variant that changes the amino acid at residue 123 from Methionine to Threonine. This variant has been observed in at least one proband with an ABCB11-related disorder (PMID:20683201). It is absent or not present at a significant frequency in gnomAD. In silico models predict that this variant is not damaging. In conclusion, we classify ABCB11 p.Met123Thr (c.368T>C) as a variant of uncertain significance.

Labcorp Genetics (formerly Invitae), Labcorp
Classification: Uncertain significance. Last evaluated: 2024-10-22. Review status: criteria provided, single submitter. Criteria: Invitae Variant Classification Sherloc (09022015). Collection method: clinical testing. Allele origin: germline.
Comment: This sequence change replaces methionine, which is neutral and non-polar, with threonine, which is neutral and polar, at codon 123 of the ABCB11 protein (p.Met123Thr). This variant is present in population databases (rs757815423, gnomAD 0.004%). This missense change has been observed in individual(s) with idiopathic cholestasis (PMID: 20683201). ClinVar contains an entry for this variant (Variation ID: 2143281). Invitae Evidence Modeling of protein sequence and biophysical properties (such as structural, functional, and spatial information, amino acid conservation, physicochemical variation, residue mobility, and thermodynamic stability) indicates that this missense variant is not expected to disrupt ABCB11 protein function with a negative predictive value of 95%. In summary, the available evidence is currently insufficient to determine the role of this variant in disease. Therefore, it has been classified as a Variant of Uncertain Significance.

Literature cited by the submitters: PubMed 20683201 (cited by Genomenon, Inc and Labcorp Genetics (formerly Invitae), Labcorp).